The following is an entry in ClinVar:

NM_002900.3(RBP3):c.730C>A (p.His244Asn)

Gene: RBP3 (retinol binding protein 3; plus strand). Cytogenetic location: 10q11.22.
Variant type: single nucleotide variant.
Coding change: c.730C>A on transcript NM_002900.3 (MANE Select); coding-DNA position 730, C replaced by A.
Protein change: p.His244Asn; replaces histidine 244 with asparagine.
Molecular consequence: missense variant.
Genome position (GRCh38, 1-based): chr10:47,349,214, C>A. VCF-style: chr10-47349214-C-A. GRCh37 (hg19) VCF-style: chr10-48390148-G-T.
Other names: short protein forms H244N.
Identifiers: ClinVar variation 1522742 (VCV001522742.9), dbSNP rs1555211019, ClinGen allele CA376666242.
Genomic context (GRCh38, chr10:47,349,214, plus strand): 5'-GACAAGGATGTGGTGGTCCTCACCAGCAGCCAGACCAGGGGCGTGGCCGAGGACATCGCG[C>A]ACATCCTTAAGCAGATGCGCAGGGCCATCGTGGTGGGCGAGCGGACTGGGGGAGGGGCCC-3'
Protein context (NP_002891.1, residues 234-254): QTRGVAEDIA[His244Asn]ILKQMRRAIV

ClinVar aggregate classification (germline): Uncertain significance. Review status: criteria provided, multiple submitters, no conflicts (2 of 4 stars). 2 submissions from 2 submitters: Uncertain significance (2). Last evaluated 2025-03-10.

Allele frequency attached by ClinVar (database versions not stated): gnomAD exomes below 0.00001.

Submissions (2):

Labcorp Genetics (formerly Invitae), Labcorp
Classification: Uncertain significance. Last evaluated: 2025-03-10. Review status: criteria provided, single submitter. Criteria: Invitae Variant Classification Sherloc (09022015). Collection method: clinical testing. Allele origin: germline.
Comment: This sequence change replaces histidine, which is basic and polar, with asparagine, which is neutral and polar, at codon 244 of the RBP3 protein (p.His244Asn). This variant is present in population databases (no rsID available, gnomAD 0.003%). This variant has not been reported in the literature in individuals affected with RBP3-related conditions. ClinVar contains an entry for this variant (Variation ID: 1522742). Invitae Evidence Modeling of protein sequence and biophysical properties (such as structural, functional, and spatial information, amino acid conservation, physicochemical variation, residue mobility, and thermodynamic stability) indicates that this missense variant is not expected to disrupt RBP3 protein function with a negative predictive value of 80%. In summary, the available evidence is currently insufficient to determine the role of this variant in disease. Therefore, it has been classified as a Variant of Uncertain Significance.

Blueprint Genetics
Classification: Uncertain significance. Last evaluated: 2022-10-07. Review status: criteria provided, single submitter. Criteria: ACMG Guidelines, 2015. Collection method: clinical testing. Allele origin: germline.